The following is an entry in ClinVar:

ClinVar aggregate classification (germline): Uncertain significance (1 of 4 stars; one submission).

Conditions:
Cardiovascular phenotype. Identifiers: MedGen CN230736.

gnomAD v4.1: 107 of 1,564,302 alleles (0.0068%); highest among the groups gnomAD compares: Non-Finnish European, 0.0091%; no homozygotes.

Submission:

Ambry Genetics
Classification: Uncertain significance for Cardiovascular phenotype. Last evaluated: 2025-06-01. Review status: criteria provided, single submitter. Criteria: Ambry Variant Classification Scheme 2023. Collection method: clinical testing. Allele origin: germline.
Comment: The p.G235D variant (also known as c.704G>A), located in coding exon 10 of the TXNRD2 gene, results from a G to A substitution at nucleotide position 704. The glycine at codon 235 is replaced by aspartic acid, an amino acid with similar properties. This amino acid position is conserved. In addition, this alteration is predicted to be deleterious by in silico analysis. Since supporting evidence is limited at this time, the clinical significance of this alteration remains unclear.

NM_006440.5(TXNRD2):c.704G>A (p.Gly235Asp)

Gene: TXNRD2 (thioredoxin reductase 2; minus strand). Cytogenetic location: 22q11.21.
Variant type: single nucleotide variant.
Coding change: c.704G>A on transcript NM_006440.5 (MANE Select); coding-DNA position 704, G replaced by A.
Protein change: p.Gly235Asp; replaces glycine 235 with aspartic acid.
Molecular consequence: missense variant. On other transcripts: non-coding transcript variant (1).
Genome position (GRCh38, 1-based): chr22:19,898,109, C>T on the plus strand (G>A on the coding strand, the complement: TXNRD2 is on the minus strand). VCF-style: chr22-19898109-C-T. GRCh37 (hg19) VCF-style: chr22-19885632-C-T.
Other names: c.704G>A, p.Gly235Asp (NM_001282512.3); c.701G>A, p.Gly234Asp (NM_001352300.2); c.614G>A, p.Gly205Asp (NM_001352301.2); c.416G>A, p.Gly139Asp (NM_001352302.2); c.608G>A, p.Gly203Asp (NM_001352303.2); short protein forms G203D, G205D, G139D, G234D, G235D.
Identifiers: ClinVar variation 1756875 (VCV001756875.3), dbSNP rs1259831281, ClinGen allele CA410687604.
Genomic context (GRCh38, chr22:19,898,109, plus strand): 5'-CCGCGGAGGGGGATGCTGCGCATCATGATGGTGGTGTCCAGCCCAATCCCGGTGAGGAAG[C>T]CAGCACACTCCAGGGCCACATCTGTGGGGTGCCAGCTAAGGAGCACTGTAGATCCCAATT-3'
Protein context (NP_006431.2, residues 225-245): GASYVALECA[Gly235Asp]FLTGIGLDTT